The following is an entry in ClinVar:

ClinVar aggregate classification (germline): Benign/Likely benign. Review status: criteria provided, multiple submitters, no conflicts (2 of 4 stars). 6 submissions from 6 submitters: Benign (3); Likely benign (2). 1 of the submissions does not count toward it. Last evaluated 2026-03-01.

Conditions:
Familial focal epilepsy with variable foci (FPEVF). Identifiers: Orphanet 98820, MedGen C1858477, MONDO:0020310.
Inborn genetic diseases. Identifiers: MedGen C0950123, MeSH D030342.
Epilepsy, familial focal, with variable foci 1 (FFEVF1). Also called: DEPDC5-Related Epilepsy. Identifiers: MedGen C4551983, MONDO:0024556, OMIM 604364.

Allele frequency attached by ClinVar (database versions not stated): gnomAD 0.00019 and 0.00020; gnomAD exomes 0.00047 and 0.00023; ESP Exome Variant Server 0.00042; TOPMed 0.00024; ExAC 0.00035.
gnomAD v4.1: 398 of 1,613,984 alleles (0.025%); highest among the groups gnomAD compares: Non-Finnish European, 0.0049%; 1 homozygote.

Submissions (6):

CeGaT Center for Human Genetics Tuebingen
Classification: Likely benign. Last evaluated: 2026-03-01. Review status: criteria provided, single submitter. Criteria: CeGaT Center For Human Genetics Tuebingen Variant Classification Criteria Version 2. Collection method: clinical testing. Allele origin: germline. Affected: yes. Observed: 2 variant alleles.
Comment: DEPDC5: PP2, BP4, BS1

Labcorp Genetics (formerly Invitae), Labcorp
Classification: Benign for Familial focal epilepsy with variable foci. Last evaluated: 2026-01-12. Review status: criteria provided, single submitter. Criteria: Invitae Variant Classification Sherloc (09022015). Collection method: clinical testing. Allele origin: germline.

Blueprint Genetics
Classification: Likely benign. Last evaluated: 2024-11-21. Review status: criteria provided, single submitter. Criteria: ACMG Guidelines, 2015. Collection method: clinical testing. Allele origin: germline.

GeneDx
Classification: Benign. Last evaluated: 2019-10-30. Review status: criteria provided, single submitter. Criteria: GeneDx Variant Classification Process June 2021. Collection method: clinical testing. Allele origin: germline. Affected: yes.
Comment: This variant is associated with the following publications: (PMID: 28717674, 23542697, 25366275)

Ambry Genetics
Classification: Benign for Inborn genetic diseases. Last evaluated: 2016-10-25. Review status: criteria provided, single submitter. Criteria: Ambry Variant Classification Scheme 2023. Collection method: clinical testing. Allele origin: germline.

GeneReviews
No classification provided. Condition: Epilepsy, familial focal, with variable foci 1. Review status: no classification provided. Collection method: literature only. Allele origin: germline. Affected: yes. Not counted in ClinVar's aggregate classification.

Literature cited by the submitters: PubMed 23542697 (cited by Ambry Genetics); PubMed 25366275 (cited by Ambry Genetics); PubMed 25599672 (cited by GeneReviews); NCBI Bookshelf NBK385626 (cited by GeneReviews).

NM_001242896.3(DEPDC5):c.1355C>T (p.Ala452Val)

Gene: DEPDC5 (DEP domain containing 5, GATOR1 subcomplex subunit; plus strand). Cytogenetic location: 22q12.3.
Variant type: single nucleotide variant.
Coding change: c.1355C>T on transcript NM_001242896.3 (MANE Select); coding-DNA position 1355, C replaced by T.
Protein change: p.Ala452Val; replaces alanine 452 with valine.
Molecular consequence: missense variant. On other transcripts: non-coding transcript variant (5).
Genome position (GRCh38, 1-based): chr22:31,810,551, C>T. VCF-style: chr22-31810551-C-T. GRCh37 (hg19) VCF-style: chr22-32206537-C-T.
Other names: c.1355C>T, p.Ala452Val (NM_001007188.4, NM_001136029.4, NM_001242897.2 and 7 more transcripts); c.1271C>T, p.Ala424Val (NM_001369901.1, NM_001369902.1); short protein forms A452V, A424V.
Identifiers: ClinVar variation 264756 (VCV000264756.34), dbSNP rs202226316, ClinGen allele CA10196350.
Genomic context (GRCh38, chr22:31,810,551, plus strand): 5'-ATGACAATTTATATTATTTGTGTATTTCAGCTCTCGGGAGTCCAAAAGAATCTGAGAACG[C>T]CCTTCCCATCCAAGTAGATTATGACGCCTATGACGCTCAAGTGTTCAGGCTGCCCGGCCC-3'
Protein context (NP_001229825.1, residues 442-462): SLGSPKESEN[Ala452Val]LPIQVDYDAY